The following is an entry in ClinVar:

NM_015721.3(GEMIN4):c.469G>A (p.Val157Met)

Gene: GEMIN4 (gem nuclear organelle associated protein 4; minus strand). Cytogenetic location: 17p13.3.
Variant type: single nucleotide variant.
Coding change: c.469G>A on transcript NM_015721.3 (MANE Select); coding-DNA position 469, G replaced by A.
Protein change: p.Val157Met; replaces valine 157 with methionine.
Molecular consequence: missense variant.
Genome position (GRCh38, 1-based): chr17:747,574, C>T on the plus strand (G>A on the coding strand, the complement: GEMIN4 is on the minus strand). VCF-style: chr17-747574-C-T. GRCh37 (hg19) VCF-style: chr17-650814-C-T.
Other names: short protein forms V157M.
Identifiers: ClinVar variation 3356350 (VCV003356350.2).

ClinVar aggregate classification (germline): Uncertain significance. Review status: criteria provided, single submitter (1 of 4 stars). 2 submissions from 2 submitters: Uncertain significance (1). 1 of the submissions does not count toward it. Last evaluated 2026-03-06.

Conditions:
GEMIN4-related disorder. Also called: GEMIN4-related condition.

gnomAD v4.1: 112 of 1,613,914 alleles (0.0069%); highest among the groups gnomAD compares: Admixed American, 0.018%; no homozygotes.

Submissions (2):

GeneDx
Classification: Uncertain significance. Last evaluated: 2026-03-06. Review status: criteria provided, single submitter. Criteria: GeneDx Variant Classification Process June 2021. Collection method: clinical testing. Allele origin: germline.
Comment: In silico analysis supports that this missense variant has a deleterious effect on protein structure/function; Has not been previously published as pathogenic or benign to our knowledge

PreventionGenetics, part of Exact Sciences
Classification: Uncertain significance for GEMIN4-related condition. Last evaluated: 2024-09-06. Review status: no assertion criteria provided. Collection method: clinical testing. Allele origin: germline. Not counted in ClinVar's aggregate classification.
Comment: The GEMIN4 c.469G>A variant is predicted to result in the amino acid substitution p.Val157Met. To our knowledge, this variant has not been reported in the literature. This variant is reported in 0.013% of alleles in individuals of South Asian descent in gnomAD. At this time, the clinical significance of this variant is uncertain due to the absence of conclusive functional and genetic evidence.